The following is an entry in ClinVar:

NM_001042492.3(NF1):c.4010G>A (p.Arg1337Gln)

Gene: NF1 (neurofibromin 1; plus strand). Cytogenetic location: 17q11.2.
Variant type: single nucleotide variant.
Coding change: c.4010G>A on transcript NM_001042492.3 (MANE Select); coding-DNA position 4010, G replaced by A.
Protein change: p.Arg1337Gln; replaces arginine 1337 with glutamine.
Molecular consequence: missense variant.
Genome position (GRCh38, 1-based): chr17:31,249,019, G>A. VCF-style: chr17-31249019-G-A. GRCh37 (hg19) VCF-style: chr17-29576037-G-A.
Other names: c.4010G>A, p.Arg1337Gln (NM_000267.4); short protein forms R1337Q.
Identifiers: ClinVar variation 404606 (VCV000404606.21), dbSNP rs1060500379, ClinGen allele CA16615242.

ClinVar aggregate classification (germline): Conflicting classifications of pathogenicity. Review status: criteria provided, conflicting classifications (1 of 4 stars). 7 submissions from 7 submitters: Uncertain significance (6); Benign (1). Last evaluated 2026-01-02.

Conditions:
Cardiovascular phenotype. Identifiers: MedGen CN230736.
Hereditary cancer-predisposing syndrome. Also called: Neoplastic Syndromes, Hereditary; Tumor predisposition; Hereditary Cancer Syndrome; Hereditary neoplastic syndrome. Identifiers: Orphanet 140162, MedGen C0027672, MeSH D009386, MONDO:0015356.
Neurofibromatosis, type 1 (NF1). Also called: Neurofibromatosis, type I; VON RECKLINGHAUSEN DISEASE; Peripheral type neurofibromatosis; NEUROFIBROMATOSIS, TYPE I, SOMATIC. Identifiers: Orphanet 636, MedGen C0027831, MONDO:0018975, OMIM 162200. Disease mechanism: loss of function.
NF1-related disorder. Also called: NF1-related condition. Identifiers: MedGen CN379171.
Café-au-lait macules with pulmonary stenosis (WTSN). Also called: PULMONIC STENOSIS WITH CAFE-AU-LAIT SPOTS. Identifiers: MedGen C0553586, MONDO:0008672, OMIM 193520.
Neurofibromatosis-Noonan syndrome (NFNS). Also called: NEUROFIBROMATOSIS WITH NOONAN PHENOTYPE. Identifiers: Orphanet 638, MedGen C2931482, MONDO:0011035, OMIM 601321. Disease mechanism: loss of function.
Juvenile myelomonocytic leukemia (JMML). Also called: LEUKEMIA, JUVENILE MYELOMONOCYTIC, SOMATIC. Identifiers: Orphanet 86834, MedGen C0349639, MONDO:0011908, OMIM 607785, HP:0012209.
Neurofibromatosis, familial spinal (FSNF). Identifiers: Orphanet 636, MedGen C1834235, MONDO:0008078, OMIM 162210. Disease mechanism: loss of function.

Allele frequency attached by ClinVar (database versions not stated): gnomAD exomes below 0.00001.
gnomAD v4.1: 3 of 1,613,944 alleles (0.00019%); highest among the groups gnomAD compares: Non-Finnish European, 0.00017%; no homozygotes.

Submissions (7):

Dasa
Classification: Uncertain significance. Last evaluated: 2026-01-02. Review status: criteria provided, single submitter. Criteria: DASA Assertion Criteria. Collection method: clinical testing. Allele origin: germline.
Comment: NM_001042492.3(NF1):c.4010G>A (p.Arg1337Gln) is a missense variant that results in the substitution of arginine with glutamine. This variant is rare in population databases. Computational prediction algorithms are consistent with a benign effect. The currently available literature and clinical evidence are not sufficient to establish a definitive association between this variant and the reported condition. Therefore, this variant is classified as a variant of uncertain significance.

Labcorp Genetics (formerly Invitae), Labcorp
Classification: Benign for Neurofibromatosis, type 1. Last evaluated: 2025-11-24. Review status: criteria provided, single submitter. Criteria: Invitae Variant Classification Sherloc (09022015). Collection method: clinical testing. Allele origin: germline.

PreventionGenetics, part of Exact Sciences
Classification: Uncertain significance for NF1-related condition. Last evaluated: 2025-11-10. Review status: criteria provided, single submitter. Criteria: ACMG Guidelines, 2015. Collection method: clinical testing. Allele origin: germline.
Comment: The NF1 c.4010G>A variant is predicted to result in the amino acid substitution p.Arg1337Gln. To our knowledge, this variant has not been reported in individuals with NF1-related disorders in the literature. This variant is reported in 0.00088% of alleles in individuals of European (Non-Finnish) descent in gnomAD and has conflicting interpretations regarding its pathogenicity in ClinVar, ranging from uncertain to benign (Variation ID: 404606). At this time, the clinical significance of this variant is uncertain due to the absence of conclusive functional and genetic evidence.

GeneDx
Classification: Uncertain significance. Last evaluated: 2023-03-24. Review status: criteria provided, single submitter. Criteria: GeneDx Variant Classification Process June 2021. Collection method: clinical testing. Allele origin: germline. Affected: yes.
Comment: Has not been observed in patients with NF1-related features to our knowledge, but has been reported in a control group (Momozawa et al., 2018); In silico analysis supports that this missense variant does not alter protein structure/function; This variant is associated with the following publications: (PMID: 29106415, 30287823, 25486365, 22807134)

Fulgent Genetics
Classification: Uncertain significance for Neurofibromatosis, type 1; Neurofibromatosis, familial spinal; Café-au-lait macules with pulmonary stenosis; Neurofibromatosis-Noonan syndrome; Juvenile myelomonocytic leukemia. Last evaluated: 2022-05-04. Review status: criteria provided, single submitter. Criteria: ACMG Guidelines, 2015. Collection method: clinical testing. Allele origin: unknown.

Genome-Nilou Lab
Classification: Uncertain significance for Neurofibromatosis, type 1. Last evaluated: 2022-03-15. Review status: criteria provided, single submitter. Criteria: ACMG Guidelines, 2015. Collection method: clinical testing. Allele origin: germline. Affected: no.

Ambry Genetics
Classification: Uncertain significance for Cardiovascular phenotype; Hereditary cancer-predisposing syndrome. Last evaluated: 2020-12-15. Review status: criteria provided, single submitter. Criteria: Ambry Variant Classification Scheme 2023. Collection method: clinical testing. Allele origin: germline.
Comment: The p.R1337Q variant (also known as c.4010G>A), located in coding exon 30 of the NF1 gene, results from a G to A substitution at nucleotide position 4010. The arginine at codon 1337 is replaced by glutamine, an amino acid with highly similar properties. This alteration was observed in 0/7,051 unselected female breast cancer patients and was observed with an allele frequency of 0.00009 in 11,241 female controls of Japanese ancestry (Momozawa Y et al. Nat Commun, 2018 10;9:4083). This amino acid position is well conserved in available vertebrate species. In addition, this alteration is predicted to be tolerated by in silico analysis. Since supporting evidence is limited at this time, the clinical significance of this alteration remains unclear.